The following is an entry in ClinVar:

NM_000064.4(C3):c.2705C>T (p.Pro902Leu)

Gene: C3 (complement C3; minus strand). Cytogenetic location: 19p13.3.
Variant type: single nucleotide variant.
Coding change: c.2705C>T on transcript NM_000064.4 (MANE Select); coding-DNA position 2705, C replaced by T.
Protein change: p.Pro902Leu; replaces proline 902 with leucine.
Molecular consequence: missense variant.
Genome position (GRCh38, 1-based): chr19:6,697,435, G>A on the plus strand (C>T on the coding strand, the complement: C3 is on the minus strand). VCF-style: chr19-6697435-G-A. GRCh37 (hg19) VCF-style: chr19-6697446-G-A.
Other names: c.2705C>T (NM_000064.3); short protein forms P902L.
Identifiers: ClinVar variation 2147656 (VCV002147656.5), dbSNP rs765511580, ClinGen allele CA9128989.
Genomic context (GRCh38, chr19:6,697,435, plus strand): 5'-CTGATGAAATGATGGTAGACAGCAGCCTTGACTTCCACTTCCTGCAGGCCGGTCTTTAGC[G>A]GCACGATGACATATGGAACGGACAACGAGGACTTGGGGGGGATGGTTACGGTCTGCTGGT-3'
Protein context (NP_000055.2, residues 892-912): SSLSVPYVIV[Pro902Leu]LKTGLQEVEV

ClinVar aggregate classification (germline): Uncertain significance. Review status: criteria provided, single submitter (1 of 4 stars). 2 submissions from 2 submitters: Uncertain significance (1). 1 of the submissions does not count toward it. Last evaluated 2025-01-20.

Conditions:
C3-related disorder. Also called: C3-related condition.

Allele frequency attached by ClinVar (database versions not stated): gnomAD 0.00001; gnomAD exomes 0.00002; TOPMed 0.00002; ExAC 0.00005.
gnomAD v4.1: 41 of 1,613,782 alleles (0.0025%); highest among the groups gnomAD compares: Admixed American, 0.013%; no homozygotes.

Submissions (2):

Labcorp Genetics (formerly Invitae), Labcorp
Classification: Uncertain significance. Last evaluated: 2025-01-20. Review status: criteria provided, single submitter. Criteria: Invitae Variant Classification Sherloc (09022015). Collection method: clinical testing. Allele origin: germline.
Comment: This sequence change replaces proline, which is neutral and non-polar, with leucine, which is neutral and non-polar, at codon 902 of the C3 protein (p.Pro902Leu). This variant is present in population databases (rs765511580, gnomAD 0.009%). This variant has not been reported in the literature in individuals affected with C3-related conditions. ClinVar contains an entry for this variant (Variation ID: 2147656). Invitae Evidence Modeling of protein sequence and biophysical properties (such as structural, functional, and spatial information, amino acid conservation, physicochemical variation, residue mobility, and thermodynamic stability) indicates that this missense variant is expected to disrupt C3 protein function with a positive predictive value of 80%. In summary, the available evidence is currently insufficient to determine the role of this variant in disease. Therefore, it has been classified as a Variant of Uncertain Significance.

PreventionGenetics, part of Exact Sciences
Classification: Uncertain significance for C3-related condition. Last evaluated: 2024-07-13. Review status: no assertion criteria provided. Collection method: clinical testing. Allele origin: germline. Not counted in ClinVar's aggregate classification.
Comment: The C3 c.2705C>T variant is predicted to result in the amino acid substitution p.Pro902Leu. This variant has been reported in two different cohort studies of individuals with developmental disorder (de novo, Supplemental Table 1, Kaplanis et al. 2020. PubMed ID: 33057194; Supplemental Table 3, Zhou et al. 2022. PubMed ID: 35982159). This variant is reported in 0.0087% of alleles in individuals of Latino descent in gnomAD. At this time, the clinical significance of this variant is uncertain due to the absence of conclusive functional and genetic evidence.